The following is an entry in ClinVar:

ClinVar aggregate classification (germline): Conflicting classifications of pathogenicity. Review status: criteria provided, conflicting classifications (1 of 4 stars). 5 submissions from 5 submitters: Pathogenic (1); Likely pathogenic (1); Uncertain significance (1). 2 of the submissions do not count toward it. Last evaluated 2026-06-03.

Conditions:
3-methylcrotonyl-CoA carboxylase 2 deficiency. Also called: METHYLCROTONYLGLYCINURIA, TYPE II; 3 alpha methylcrotonyl-CoA carboxylase 2 deficiency; 3 alpha methylcrotonylglycinuria 2; MCC 2 deficiency; Methylcrotonylglycinuria type 2. Identifiers: Orphanet 6, MedGen C1859499, MONDO:0008862, OMIM 210210.
MCCC2-related disorder. Also called: MCCC2-related condition.
Methylcrotonyl-CoA carboxylase deficiency. Also called: 3-MCC Deficiency; Deficiency of methylcrotonoyl-CoA carboxylase; 3 Methylcrotonylglycinuria. Identifiers: Orphanet 6, MedGen C4551505, MONDO:0018950.

Allele frequency attached by ClinVar (database versions not stated): gnomAD 0.00004 and 0.00003; gnomAD exomes 0.00006 and 0.00003; TOPMed 0.00001; ExAC 0.00002.
gnomAD v4.1: 99 of 1,608,378 alleles (0.0062%); highest among the groups gnomAD compares: Non-Finnish European, 0.0077%; no homozygotes.

Submissions (5):

Myriad Genetics, Inc.
Classification: Uncertain significance for 3-methylcrotonyl-CoA carboxylase 2 deficiency. Last evaluated: 2026-06-03. Review status: criteria provided, single submitter. Criteria: Myriad Autosomal Dominant, Autosomal Recessive and X-Linked Classification Criteria (2023). Collection method: clinical testing. Allele origin: unknown.
Comment: NM_022132.4(MCCC2):c.1690T>C(*564Qext*3) is a stop-loss variant classified as a variant of uncertain significance in the context of 3-methylcrotonyl-CoA carboxylase deficiency, MCCC2-related. *564Qext*3 has been observed in a case with relevant disease (PMID: 16010683). Relevant functional assessments of this variant are not available in the literature. *564Qext*3 has been observed in referenced population frequency databases. In summary, there is insufficient evidence to classify NM_022132.4(MCCC2):c.1690T>C(*564Qext*3) as pathogenic or benign. Please note: this variant was assessed in the context of healthy population screening.

Women's Health and Genetics/Laboratory Corporation of America, LabCorp
Classification: Likely pathogenic for Methylcrotonyl-CoA carboxylase deficiency. Last evaluated: 2026-04-27. Review status: criteria provided, single submitter. Criteria: LabCorp Variant Classification Summary - May 2015. Collection method: clinical testing. Allele origin: germline.
Comment: Variant summary: MCCC2 c.1690T>C (p.X564GlnextX3) changes the termination codon and is predicted to lead to an extended protein with additional amino acids added to the normal C-terminus. The variant allele was found at a frequency of 2.8e-05 in 251414 control chromosomes (gnomAD). c.1690T>C has been observed in individual(s) affected with pathognomic clinical and metabolic features of Methylcrotonyl-CoA Carboxylase Deficiency (example: Dantas_2005 overlapping with Grunert_2012 and internal data). These data indicate that the variant is likely to be associated with disease. To our knowledge, no experimental evidence demonstrating an impact on protein function has been reported. The following publications have been ascertained in the context of this evaluation (PMID: 16010683, 22642865). ClinVar contains an entry for this variant (Variation ID: 570791). Based on the evidence outlined above, the variant was classified as likely pathogenic.

Labcorp Genetics (formerly Invitae), Labcorp
Classification: Pathogenic for 3-methylcrotonyl-CoA carboxylase 2 deficiency. Last evaluated: 2025-12-23. Review status: criteria provided, single submitter. Criteria: Invitae Variant Classification Sherloc (09022015). Collection method: clinical testing. Allele origin: germline.
Comment: This sequence change disrupts the translational stop signal of the MCCC2 mRNA. It is expected to extend the length of the MCCC2 protein by 3 additional amino acid residues. This variant is present in population databases (rs751970792, gnomAD 0.007%). This protein extension has been observed in individual(s) with 3 Methylcrotonyl-CoA carboxylase deficiency (PMID: 16010683, 22642865; internal data). In at least one individual the data is consistent with being in trans (on the opposite chromosome) from a pathogenic variant. ClinVar contains an entry for this variant (Variation ID: 570791). For these reasons, this variant has been classified as Pathogenic.

PreventionGenetics, part of Exact Sciences
Classification: Uncertain significance for MCCC2-related condition. Last evaluated: 2024-06-14. Review status: no assertion criteria provided. Collection method: clinical testing. Allele origin: germline. Not counted in ClinVar's aggregate classification.
Comment: The MCCC2 c.1690T>C variant is predicted to result in extension of the open reading frame (p.*564Glnext*3). This variant is predicted to abolish the stop codon and lead to the extension of the protein by 3 amino acids (p.*564Glnext*3). This variant has been reported in the heterozygous state in two patients. A second variant was not identified in the MCCC2 gene of either patient, though no RNA was identified from the second allele in one of the patients, suggesting the presence of an additional variant not detectable via the methodology used by the researchers (Dantas et al. 2005. PubMed ID: 16010683; Grünert et al. 2012. PubMed ID: 22642865). This variant is reported in 0.0062% of alleles in individuals of European (Non-Finnish) descent in gnomAD. Although we suspect that this variant may be pathogenic, at this time, the clinical significance of this variant is uncertain due to the absence of conclusive functional and genetic evidence.

Natera, Inc.
Classification: Uncertain significance for 3-methylcrotonylglycinuria. Last evaluated: 2020-09-16. Review status: no assertion criteria provided. Collection method: clinical testing. Allele origin: germline. Not counted in ClinVar's aggregate classification.

Literature cited by the submitters: PubMed 16010683 (cited by 3 submitters); PubMed 22642865 (cited by Labcorp Genetics (formerly Invitae), Labcorp).

NM_022132.5(MCCC2):c.1690T>C (p.Ter564Gln)

Gene: MCCC2 (methylcrotonyl-CoA carboxylase subunit 2; plus strand). Cytogenetic location: 5q13.2.
Variant type: single nucleotide variant.
Coding change: c.1690T>C on transcript NM_022132.5 (MANE Select); coding-DNA position 1690, T replaced by C.
Protein change: p.Ter564Gln.
Molecular consequence: stop lost.
Genome position (GRCh38, 1-based): chr5:71,656,858, T>C. VCF-style: chr5-71656858-T-C. GRCh37 (hg19) VCF-style: chr5-70952685-T-C.
Other names: *564Q; *526Q; c.1576T>C, p.Ter526Gln (NM_001363147.1).
Identifiers: ClinVar variation 570791 (VCV000570791.21), dbSNP rs751970792, ClinGen allele CA3298242.
Genomic context (GRCh38, chr5:71,656,858, plus strand): 5'-AGTTTTAGTGCAGCCCTCAACGCACCAATAGAGAAGACTGACTTCGGTATCTTCAGGATG[T>C]AACTGGAATAAAGGATGTTTTCTGTTGGACATGTACTGAAAATTAACACATGTAGTAGCC-3'